The following is an entry in ClinVar:

ClinVar aggregate classification (germline): Uncertain significance. Review status: criteria provided, multiple submitters, no conflicts (2 of 4 stars). 3 submissions from 3 submitters: Uncertain significance (3). Last evaluated 2025-11-17.

Conditions:
Cardiovascular phenotype. Identifiers: MedGen CN230736.
Arrhythmogenic cardiomyopathy with wooly hair and keratoderma. Also called: PALMOPLANTAR KERATODERMA WITH LEFT VENTRICULAR CARDIOMYOPATHY AND WOOLLY HAIR; Carvajal syndrome; Dilated cardiomyopathy with woolly hair and keratoderma; Arrhythmogenic cardiomyopathy with woolly hair and keratoderma. Identifiers: Orphanet 65282, MedGen C1854063, MONDO:0011581, OMIM 605676.
Arrhythmogenic right ventricular dysplasia 8 (ARVD8). Also called: Arrhythmogenic Right Ventricular Dysplasia/Cardiomyopathy 8; ARRHYTHMOGENIC RIGHT VENTRICULAR DYSPLASIA, FAMILIAL, 8; ARRHYTHMOGENIC RIGHT VENTRICULAR CARDIOMYOPATHY 8. Identifiers: MedGen C1843896, MONDO:0011831, OMIM 607450.

Allele frequency attached by ClinVar (database versions not stated): gnomAD exomes below 0.00001.

Submissions (3):

Labcorp Genetics (formerly Invitae), Labcorp
Classification: Uncertain significance for Arrhythmogenic cardiomyopathy with wooly hair and keratoderma; Arrhythmogenic right ventricular dysplasia 8. Last evaluated: 2025-11-17. Review status: criteria provided, single submitter. Criteria: Invitae Variant Classification Sherloc (09022015). Collection method: clinical testing. Allele origin: germline.
Comment: This sequence change replaces lysine, which is basic and polar, with glutamine, which is neutral and polar, at codon 308 of the DSP protein (p.Lys308Gln). This variant is present in population databases (no rsID available, gnomAD 0.0009%). This variant has not been reported in the literature in individuals affected with DSP-related conditions. ClinVar contains an entry for this variant (Variation ID: 405243). An algorithm developed to predict the effect of missense changes on protein structure and function (PolyPhen-2) suggests that this variant is likely to be disruptive. In summary, the available evidence is currently insufficient to determine the role of this variant in disease. Therefore, it has been classified as a Variant of Uncertain Significance.

GeneDx
Classification: Uncertain significance. Last evaluated: 2024-04-04. Review status: criteria provided, single submitter. Criteria: GeneDx Variant Classification Process June 2021. Collection method: clinical testing. Allele origin: germline. Affected: yes.
Comment: Not observed at significant frequency in large population cohorts (gnomAD); In silico analysis supports that this missense variant has a deleterious effect on protein structure/function; Has not been previously published as pathogenic or benign to our knowledge

Ambry Genetics
Classification: Uncertain significance for Cardiovascular phenotype. Last evaluated: 2020-03-09. Review status: criteria provided, single submitter. Criteria: Ambry Variant Classification Scheme 2023. Collection method: clinical testing. Allele origin: germline.
Comment: The p.K308Q variant (also known as c.922A>C), located in coding exon 7 of the DSP gene, results from an A to C substitution at nucleotide position 922. The lysine at codon 308 is replaced by glutamine, an amino acid with similar properties. This amino acid position is highly conserved in available vertebrate species. In addition, this alteration is predicted to be deleterious by in silico analysis. Since supporting evidence is limited at this time, the clinical significance of this alteration remains unclear.

NM_004415.4(DSP):c.922A>C (p.Lys308Gln)

Gene: DSP (desmoplakin; plus strand). Cytogenetic location: 6p24.3.
Variant type: single nucleotide variant.
Coding change: c.922A>C on transcript NM_004415.4 (MANE Select); coding-DNA position 922, A replaced by C.
Protein change: p.Lys308Gln; replaces lysine 308 with glutamine.
Molecular consequence: missense variant.
Genome position (GRCh38, 1-based): chr6:7,565,503, A>C. VCF-style: chr6-7565503-A-C. GRCh37 (hg19) VCF-style: chr6-7565736-A-C.
Other names: c.922A>C (LRG_423t1); c.922A>C, p.Lys308Gln (NM_001008844.3, NM_001319034.2); short protein forms K308Q.
Identifiers: ClinVar variation 405243 (VCV000405243.13), dbSNP rs1060500617, ClinGen allele CA16612067.
Genomic context (GRCh38, chr6:7,565,503, plus strand): 5'-GACTGCGAGGAGGAGGAGCTGCTGTACGACTGGAGCGACAAGAACACCAACATCGCTCAG[A>C]AACAGGAGGCCTTCTCCGTAAGTTCACCCCACGCGGCTGTAGATGCTTGTCTTGAGCCTG-3'
Protein context (NP_004406.2, residues 298-318): WSDKNTNIAQ[Lys308Gln]QEAFSIRMSQ